The following is an entry in ClinVar:

ClinVar aggregate classification (germline): Pathogenic/Likely pathogenic. Review status: criteria provided, multiple submitters, no conflicts (2 of 4 stars). 2 submissions from 2 submitters: Pathogenic (1); Likely pathogenic (1). Last evaluated 2025-01-06.

Conditions:
CDH3-related disorder. Also called: CDH3-related condition.

Submissions (2):

Labcorp Genetics (formerly Invitae), Labcorp
Classification: Pathogenic. Last evaluated: 2025-01-06. Review status: criteria provided, single submitter. Criteria: Invitae Variant Classification Sherloc (09022015). Collection method: clinical testing. Allele origin: germline.
Comment: This sequence change creates a premature translational stop signal (p.Lys401Thrfs*9) in the CDH3 gene. It is expected to result in an absent or disrupted protein product. Loss-of-function variants in CDH3 are known to be pathogenic (PMID: 15805154, 27386845, 29620724). This variant is not present in population databases (gnomAD no frequency). This variant has not been reported in the literature in individuals affected with CDH3-related conditions. ClinVar contains an entry for this variant (Variation ID: 2989730). For these reasons, this variant has been classified as Pathogenic.

Blueprint Genetics
Classification: Likely pathogenic for CDH3-related disorders. Last evaluated: 2019-02-28. Review status: criteria provided, single submitter. Criteria: ACMG Guidelines, 2015. Collection method: clinical testing. Allele origin: germline. Affected: yes. Observed: 2 variant alleles.

Literature cited by the submitters: PubMed 15805154 (cited by Labcorp Genetics (formerly Invitae), Labcorp); PubMed 27386845 (cited by Labcorp Genetics (formerly Invitae), Labcorp); PubMed 29620724 (cited by Labcorp Genetics (formerly Invitae), Labcorp).

NM_001793.6(CDH3):c.1202_1205del (p.Lys401fs)

Gene: CDH3 (cadherin 3; plus strand). Cytogenetic location: 16q22.1.
Variant type: Deletion.
Coding change: c.1202_1205del on transcript NM_001793.6 (MANE Select); coding-DNA positions 1202 to 1205, 4 bases deleted (AAAA; older notation c.1202_1205delAAAA).
Protein change: p.Lys401fs; shifts the reading frame from lysine 401.
Molecular consequence: frameshift variant.
Genome position (GRCh38, 1-based): chr16:68,684,602-68,684,605, AAAA deleted; deleting any 4 consecutive bases within chr16:68,684,601-68,684,605 gives the same sequence; the c. name uses the placement nearest the transcript's 3' end. VCF-style (leftmost placement, unchanged base first): chr16-68684600-CAAAA-C. GRCh37 (hg19) VCF-style: chr16-68718503-CAAAA-C.
Other names: c.1202_1205del, p.Lys401fs (NM_001317195.3); c.1037_1040del, p.Lys346fs (NM_001317196.2); short protein forms K346fs, K401fs.
Identifiers: ClinVar variation 2989730 (VCV002989730.4), dbSNP rs1961345678, ClinGen allele CA2229888505.